The following is an entry in ClinVar:

ClinVar aggregate classification (germline): Uncertain significance. Review status: criteria provided, multiple submitters, no conflicts (2 of 4 stars). 2 submissions from 2 submitters: Uncertain significance (2). Last evaluated 2025-07-20.

Allele frequency attached by ClinVar (database versions not stated): gnomAD exomes below 0.00001.
gnomAD v4.1: 1 of 1,537,828 alleles (0.000065%); highest among the groups gnomAD compares: Non-Finnish European, 0.000087%; no homozygotes.

Submissions (2):

GeneDx
Classification: Uncertain significance. Last evaluated: 2025-07-20. Review status: criteria provided, single submitter. Criteria: GeneDx Variant Classification Process June 2021. Collection method: clinical testing. Allele origin: germline. Affected: yes.
Comment: Has not been previously published as pathogenic or benign to our knowledge; Not observed at significant frequency in large population cohorts (gnomAD); In silico analysis suggests that this missense variant does not alter protein structure/function

CeGaT Center for Human Genetics Tuebingen
Classification: Uncertain significance. Last evaluated: 2021-01-01. Review status: criteria provided, single submitter. Criteria: CeGaT Center For Human Genetics Tuebingen Variant Classification Criteria Version 2. Collection method: clinical testing. Allele origin: germline. Affected: yes. Observed: 1 variant allele.

NM_000748.3(CHRNB2):c.1323G>C (p.Glu441Asp)

Gene: CHRNB2 (cholinergic receptor nicotinic beta 2 subunit; plus strand). Cytogenetic location: 1q21.3.
Variant type: single nucleotide variant.
Coding change: c.1323G>C on transcript NM_000748.3 (MANE Select); coding-DNA position 1323, G replaced by C.
Protein change: p.Glu441Asp; replaces glutamic acid 441 with aspartic acid.
Molecular consequence: missense variant.
Genome position (GRCh38, 1-based): chr1:154,572,146, G>C. VCF-style: chr1-154572146-G-C. GRCh37 (hg19) VCF-style: chr1-154544622-G-C.
Other names: c.1323G>C (NM_000748.2); short protein forms E441D.
Identifiers: ClinVar variation 1012544 (VCV001012544.39), dbSNP rs1696185130, ClinGen allele CA342631934.